The following is an entry in ClinVar:

NM_015662.3(IFT172):c.2232C>G (p.Tyr744Ter)

Gene: IFT172 (intraflagellar transport 172; minus strand). Cytogenetic location: 2p23.3.
Variant type: single nucleotide variant.
Coding change: c.2232C>G on transcript NM_015662.3 (MANE Select); coding-DNA position 2232, C replaced by G.
Protein change: p.Tyr744Ter; replaces tyrosine 744 with a stop codon.
Molecular consequence: nonsense.
Genome position (GRCh38, 1-based): chr2:27,461,479, G>C on the plus strand (C>G on the coding strand, the complement: IFT172 is on the minus strand). VCF-style: chr2-27461479-G-C. GRCh37 (hg19) VCF-style: chr2-27684346-G-C.
Other names: c.2166C>G, p.Tyr722Ter (NM_001410739.1); short protein forms Y722*, Y744*.
Identifiers: ClinVar variation 4999489 (VCV004999489.1).

ClinVar aggregate classification (germline): Likely pathogenic (1 of 4 stars; one submission).

Conditions:
IFT172-related disorder. Also called: IFT172-related condition; IFT172-related disorders.

Submission:

PreventionGenetics, part of Exact Sciences
Classification: Likely pathogenic for IFT172-related condition. Last evaluated: 2025-03-05. Review status: criteria provided, single submitter. Criteria: ACMG Guidelines, 2015. Collection method: clinical testing. Allele origin: germline.
Comment: The IFT172 c.2232C>G variant is predicted to result in premature protein termination (p.Tyr744*). To our knowledge, this variant has not been reported in the literature or in a large population database (gnomAD), indicating this variant is rare. Nonsense variants in IFT172 are expected to be pathogenic. This variant is interpreted as likely pathogenic.